The following is an entry in ClinVar:

ClinVar aggregate classification (germline): Uncertain significance (1 of 4 stars; one submission).

Conditions:
Fanconi anemia (FA). Also called: Fanconi's anemia. Identifiers: Orphanet 84, MedGen C0015625, MeSH D005199, MONDO:0019391.

gnomAD v4.1: 10 of 1,611,904 alleles (0.00062%); highest among the groups gnomAD compares: Non-Finnish European, 0.00085%; no homozygotes.

Submission:

Labcorp Genetics (formerly Invitae), Labcorp
Classification: Uncertain significance for Fanconi anemia. Last evaluated: 2022-03-23. Review status: criteria provided, single submitter. Criteria: Invitae Variant Classification Sherloc (09022015). Collection method: clinical testing. Allele origin: germline.
Comment: In summary, the available evidence is currently insufficient to determine the role of this variant in disease. Therefore, it has been classified as a Variant of Uncertain Significance. Algorithms developed to predict the effect of sequence changes on RNA splicing suggest that this variant may disrupt the consensus splice site. This variant has not been reported in the literature in individuals affected with FANCL-related conditions. This variant is not present in population databases (gnomAD no frequency). This sequence change falls in intron 13 of the FANCL gene. It does not directly change the encoded amino acid sequence of the FANCL protein.

NM_018062.4(FANCL):c.1093-13T>A

Genes: FANCL (FA complementation group L; minus strand), VRK2 (VRK serine/threonine kinase 2; plus strand). Cytogenetic location: 2p16.1.
Variant type: single nucleotide variant.
Coding change: c.1093-13T>A on transcript NM_018062.4 (MANE Select); 13 bases into the intron before coding-DNA position 1093, T replaced by A.
Molecular consequence: intron variant. On other transcripts: 3 prime UTR variant (9).
Genome position (GRCh38, 1-based): chr2:58,159,813, A>T on the plus strand (T>A on the coding strand, the complement: FANCL is on the minus strand). VCF-style: chr2-58159813-A-T. GRCh37 (hg19) VCF-style: chr2-58386948-A-T.
Other names: c.*120A>T (NM_001130480.2, NM_001130481.2, NM_001130482.2 and 4 more transcripts); c.*505A>T (NM_001130483.2, NM_001288838.2); c.1108-13T>A (NM_001114636.2); c.1153-13T>A (NM_001410792.1); c.1138-13T>A (NM_001374615.1).
Identifiers: ClinVar variation 2143489 (VCV002143489.4), dbSNP rs761704892, ClinGen allele CA2573050655.